The following is an entry in ClinVar:

NM_021098.3(CACNA1H):c.5081T>C (p.Met1694Thr)

Gene: CACNA1H (calcium voltage-gated channel subunit alpha1 H; plus strand). Cytogenetic location: 16p13.3.
Variant type: single nucleotide variant.
Coding change: c.5081T>C on transcript NM_021098.3 (MANE Select); coding-DNA position 5081, T replaced by C.
Protein change: p.Met1694Thr; replaces methionine 1694 with threonine.
Molecular consequence: missense variant.
Genome position (GRCh38, 1-based): chr16:1,215,283, T>C. VCF-style: chr16-1215283-T-C. GRCh37 (hg19) VCF-style: chr16-1265283-T-C.
Other names: c.5063T>C, p.Met1688Thr (NM_001005407.2); short protein forms M1694T, M1688T.
Identifiers: ClinVar variation 529593 (VCV000529593.16), dbSNP rs375015931, ClinGen allele CA7801788.
Genomic context (GRCh38, chr16:1,215,283, plus strand): 5'-TGAGCCTCCGGCCACACAGGTGGAACCAGCTGGACCTGGCCATCGTGCTGCTGTCACTCA[T>C]GGGCATCACGCTGGAGGAGATAGAGATGAGCGCCGCGCTGCCCATCAACCCCACCATCAT-3'
Protein context (NP_066921.2, residues 1684-1704): LDLAIVLLSL[Met1694Thr]GITLEEIEMS

ClinVar aggregate classification (germline): Uncertain significance. Review status: criteria provided, multiple submitters, no conflicts (2 of 4 stars). 4 submissions from 4 submitters: Uncertain significance (4). Last evaluated 2025-09-23.

Conditions:
Idiopathic generalized epilepsy. Also called: EIG; Generalised epilepsy. Identifiers: MedGen C0270850, MONDO:0005579, OMIM 600669.
Hyperaldosteronism, familial, type IV (HALD4). Also called: FH IV; ALDOSTERONISM, PRIMARY, AND HYPERTENSION. Identifiers: Orphanet 642671, MedGen C4310756, MONDO:0014875, OMIM 617027.
Epilepsy, childhood absence, susceptibility to, 6. Identifiers: Orphanet 64280, MedGen C2749872, MONDO:0012763, OMIM 611942.
Inborn genetic diseases. Identifiers: MedGen C0950123, MeSH D030342.

Allele frequency attached by ClinVar (database versions not stated): ExAC 0.00004; gnomAD exomes 0.00004 and 0.00023; gnomAD 0.00009; TOPMed 0.00011; ESP Exome Variant Server 0.00015; 1000 Genomes Project 30x 0.00016.

Submissions (4):

Labcorp Genetics (formerly Invitae), Labcorp
Classification: Uncertain significance for Idiopathic generalized epilepsy; Hyperaldosteronism, familial, type IV. Last evaluated: 2025-09-23. Review status: criteria provided, single submitter. Criteria: Invitae Variant Classification Sherloc (09022015). Collection method: clinical testing. Allele origin: germline.
Comment: This sequence change replaces methionine, which is neutral and non-polar, with threonine, which is neutral and polar, at codon 1694 of the CACNA1H protein (p.Met1694Thr). This variant is present in population databases (rs375015931, gnomAD 0.009%). This variant has not been reported in the literature in individuals affected with CACNA1H-related conditions. ClinVar contains an entry for this variant (Variation ID: 529593). Invitae Evidence Modeling of protein sequence and biophysical properties (such as structural, functional, and spatial information, amino acid conservation, physicochemical variation, residue mobility, and thermodynamic stability) indicates that this missense variant is not expected to disrupt CACNA1H protein function with a negative predictive value of 80%. In summary, the available evidence is currently insufficient to determine the role of this variant in disease. Therefore, it has been classified as a Variant of Uncertain Significance.

Ambry Genetics
Classification: Uncertain significance for Inborn genetic diseases. Last evaluated: 2024-06-18. Review status: criteria provided, single submitter. Criteria: Ambry Variant Classification Scheme 2023. Collection method: clinical testing. Allele origin: germline.

Fulgent Genetics
Classification: Uncertain significance for Epilepsy, childhood absence, susceptibility to, 6; Hyperaldosteronism, familial, type IV. Last evaluated: 2024-01-10. Review status: criteria provided, single submitter. Criteria: ACMG Guidelines, 2015. Collection method: clinical testing. Allele origin: germline.

Athena Diagnostics
Classification: Uncertain significance. Last evaluated: 2017-10-30. Review status: criteria provided, single submitter. Criteria: Athena Diagnostics Criteria. Collection method: clinical testing. Allele origin: germline.